The following is an entry in ClinVar:

NM_015102.5(NPHP4):c.3535G>T (p.Val1179Phe)

Gene: NPHP4 (nephrocystin 4; minus strand). Cytogenetic location: 1p36.31.
Variant type: single nucleotide variant.
Coding change: c.3535G>T on transcript NM_015102.5 (MANE Select); coding-DNA position 3535, G replaced by T.
Protein change: p.Val1179Phe; replaces valine 1179 with phenylalanine.
Molecular consequence: missense variant. On other transcripts: non-coding transcript variant (1).
Genome position (GRCh38, 1-based): chr1:5,867,053, C>A on the plus strand (G>T on the coding strand, the complement: NPHP4 is on the minus strand). VCF-style: chr1-5867053-C-A. GRCh37 (hg19) VCF-style: chr1-5927113-C-A.
Other names: c.1996G>T, p.Val666Phe (NM_001291593.2); c.1999G>T, p.Val667Phe (NM_001291594.2); short protein forms V666F, V667F, V1179F.
Identifiers: ClinVar variation 658019 (VCV000658019.6), dbSNP rs757359430, ClinGen allele CA553567.

ClinVar aggregate classification (germline): Uncertain significance. Review status: criteria provided, multiple submitters, no conflicts (2 of 4 stars). 3 submissions from 3 submitters: Uncertain significance (3). Last evaluated 2025-12-11.

Conditions:
Nephronophthisis. Also called: Juvenile Nephronophthisis. Identifiers: Orphanet 655, MedGen C0687120, MONDO:0019005, HP:0000090.
Inborn genetic diseases. Identifiers: MedGen C0950123, MeSH D030342.

Allele frequency attached by ClinVar (database versions not stated): TOPMed 0.00002; gnomAD 0.00003.
gnomAD v4.1: 112 of 1,612,942 alleles (0.0069%); highest among the groups gnomAD compares: Non-Finnish European, 0.009%; no homozygotes.

Submissions (3):

Ambry Genetics
Classification: Uncertain significance for Inborn genetic diseases. Last evaluated: 2025-12-11. Review status: criteria provided, single submitter. Criteria: Ambry Variant Classification Scheme 2023. Collection method: clinical testing. Allele origin: germline.

Labcorp Genetics (formerly Invitae), Labcorp
Classification: Uncertain significance for Nephronophthisis. Last evaluated: 2022-10-24. Review status: criteria provided, single submitter. Criteria: Invitae Variant Classification Sherloc (09022015). Collection method: clinical testing. Allele origin: germline.
Comment: This sequence change replaces valine, which is neutral and non-polar, with phenylalanine, which is neutral and non-polar, at codon 1179 of the NPHP4 protein (p.Val1179Phe). This variant is present in population databases (rs757359430, gnomAD 0.009%). This variant has not been reported in the literature in individuals affected with NPHP4-related conditions. ClinVar contains an entry for this variant (Variation ID: 658019). Advanced modeling of protein sequence and biophysical properties (such as structural, functional, and spatial information, amino acid conservation, physicochemical variation, residue mobility, and thermodynamic stability) performed at Invitae indicates that this missense variant is expected to disrupt NPHP4 protein function. In summary, the available evidence is currently insufficient to determine the role of this variant in disease. Therefore, it has been classified as a Variant of Uncertain Significance.

GeneDx
Classification: Uncertain significance. Last evaluated: 2022-10-03. Review status: criteria provided, single submitter. Criteria: GeneDx Variant Classification Process June 2021. Collection method: clinical testing. Allele origin: germline. Affected: yes.
Comment: In silico analysis supports that this missense variant has a deleterious effect on protein structure/function; Has not been previously published as pathogenic or benign to our knowledge